The following is an entry in ClinVar:

NM_022464.5(SIL1):c.189T>G (p.Asp63Glu)

Gene: SIL1 (SIL1 nucleotide exchange factor; minus strand). Cytogenetic location: 5q31.2.
Variant type: single nucleotide variant.
Coding change: c.189T>G on transcript NM_022464.5 (MANE Select); coding-DNA position 189, T replaced by G.
Protein change: p.Asp63Glu; replaces aspartic acid 63 with glutamic acid.
Molecular consequence: missense variant.
Genome position (GRCh38, 1-based): chr5:139,121,090, A>C on the plus strand (T>G on the coding strand, the complement: SIL1 is on the minus strand). VCF-style: chr5-139121090-A-C. GRCh37 (hg19) VCF-style: chr5-138456779-A-C.
Other names: c.189T>G, p.Asp63Glu (NM_001037633.2); short protein forms D63E.
Identifiers: ClinVar variation 377234 (VCV000377234.40), dbSNP rs115591710, ClinGen allele CA3432667.

ClinVar aggregate classification (germline): Benign/Likely benign. Review status: criteria provided, multiple submitters, no conflicts (2 of 4 stars). 8 submissions from 8 submitters: Benign (3); Likely benign (4). 1 of the submissions does not count toward it. Last evaluated 2026-03-01.

Conditions:
SIL1-related disorder. Also called: SIL1-related condition.
Marinesco-Sjögren syndrome (MSS). Also called: Marinesco-SjÃ¶gren syndrome; Marinesco-Sjogren Syndrome. Identifiers: Orphanet 559, MedGen C0024814, MONDO:0009567, OMIM 248800.

Allele frequency attached by ClinVar (database versions not stated): gnomAD exomes 0.00096; ExAC 0.00119; gnomAD 0.00384 and 0.00413; ESP Exome Variant Server 0.00400; TOPMed 0.00409; 1000 Genomes Project 0.00459; 1000 Genomes Project 30x 0.00468.
gnomAD v4.1: 1,042 of 1,614,204 alleles (0.065%); highest among the groups gnomAD compares: African/African-American, 1.2%; 4 homozygotes.

Submissions (8):

CeGaT Center for Human Genetics Tuebingen
Classification: Likely benign. Last evaluated: 2026-03-01. Review status: criteria provided, single submitter. Criteria: CeGaT Center For Human Genetics Tuebingen Variant Classification Criteria Version 2. Collection method: clinical testing. Allele origin: germline. Affected: yes. Observed: 3 variant alleles.
Comment: SIL1: BP4, BS1

Labcorp Genetics (formerly Invitae), Labcorp
Classification: Benign for Marinesco-Sjögren syndrome. Last evaluated: 2026-01-27. Review status: criteria provided, single submitter. Criteria: Invitae Variant Classification Sherloc (09022015). Collection method: clinical testing. Allele origin: germline.

Blueprint Genetics
Classification: Likely benign. Last evaluated: 2024-11-13. Review status: criteria provided, single submitter. Criteria: ACMG Guidelines, 2015. Collection method: clinical testing. Allele origin: germline.

Athena Diagnostics
Classification: Benign. Last evaluated: 2024-07-05. Review status: criteria provided, single submitter. Criteria: Athena Diagnostics Criteria. Collection method: clinical testing. Allele origin: unknown.

GeneDx
Classification: Benign. Last evaluated: 2020-06-15. Review status: criteria provided, single submitter. Criteria: GeneDx Variant Classification Process June 2021. Collection method: clinical testing. Allele origin: germline. Affected: yes.

Center for Pediatric Genomic Medicine, Children's Mercy Hospital and Clinics
Classification: Likely benign. Last evaluated: 2016-06-14. Review status: criteria provided, single submitter. Criteria: ACMG Guidelines, 2015. Collection method: clinical testing. Allele origin: germline.
ClinVar note: Converted during submission from Likely Benign to Likely benign.

Breakthrough Genomics
Classification: Likely benign. Review status: criteria provided, single submitter. Criteria: ACMG Guidelines, 2015. Collection method: not provided. Allele origin: germline. Inheritance: Autosomal recessive inheritance. Affected: yes.

PreventionGenetics, part of Exact Sciences
Classification: Benign for SIL1-related condition. Last evaluated: 2019-08-14. Review status: no assertion criteria provided. Collection method: clinical testing. Allele origin: germline. Not counted in ClinVar's aggregate classification.
Comment: This variant is classified as benign based on ACMG/AMP sequence variant interpretation guidelines (Richards et al. 2015 PMID: 25741868, with internal and published modifications).